The following is an entry in ClinVar:

ClinVar aggregate classification (germline): Likely pathogenic (1 of 4 stars; one submission).

Submission:

GeneDx
Classification: Likely pathogenic. Last evaluated: 2023-12-07. Review status: criteria provided, single submitter. Criteria: GeneDx Variant Classification Process June 2021. Collection method: clinical testing. Allele origin: germline. Affected: yes.
Comment: Not observed at significant frequency in large population cohorts (gnomAD); In silico analysis supports that this missense variant has a deleterious effect on protein structure/function; Has not been previously published as pathogenic or benign to our knowledge

NM_001348323.3(TRIP12):c.4936G>A (p.Glu1646Lys)

Gene: TRIP12 (thyroid hormone receptor interactor 12; minus strand). Cytogenetic location: 2q36.3.
Variant type: single nucleotide variant.
Coding change: c.4936G>A on transcript NM_001348323.3 (MANE Select); coding-DNA position 4936, G replaced by A.
Protein change: p.Glu1646Lys; replaces glutamic acid 1646 with lysine.
Molecular consequence: missense variant.
Genome position (GRCh38, 1-based): chr2:229,787,564, C>T on the plus strand (G>A on the coding strand, the complement: TRIP12 is on the minus strand). VCF-style: chr2-229787564-C-T. GRCh37 (hg19) VCF-style: chr2-230652280-C-T.
Other names: c.4855G>A, p.Glu1619Lys (NM_001284214.2, NM_001348315.2); c.4810G>A, p.Glu1604Lys (NM_001284215.2, NM_001348316.2); c.3901G>A, p.Glu1301Lys (NM_001284216.2); c.4795G>A, p.Glu1599Lys (NM_001348317.1, NM_001348318.2); c.4921G>A, p.Glu1641Lys (NM_001348319.1, NM_001348320.2); c.4924G>A, p.Glu1642Lys (NM_001348321.1); c.4936G>A, p.Glu1646Lys (NM_001348322.1, NM_001348324.2, NM_001348325.2 and 2 more transcripts); c.4939G>A, p.Glu1647Lys (NM_001348328.1, NM_001348329.2, NM_001348330.2); and 4 more; short protein forms E1301K, E1571K, E1572K, E1599K, E1604K, E1612K, E1619K, E1620K.
Identifiers: ClinVar variation 3252429 (VCV003252429.1), dbSNP rs2470915592.